The following is an entry in ClinVar:

ClinVar aggregate classification (germline): Pathogenic (1 of 4 stars; one submission).

Submission:

Labcorp Genetics (formerly Invitae), Labcorp
Classification: Pathogenic. Last evaluated: 2022-08-28. Review status: criteria provided, single submitter. Criteria: Invitae Variant Classification Sherloc (09022015). Collection method: clinical testing. Allele origin: germline.
Comment: This variant is not present in population databases (gnomAD no frequency). This sequence change creates a premature translational stop signal (p.Ala1751Profs*10) in the POLE gene. It is expected to result in an absent or disrupted protein product. Loss-of-function variants in POLE are known to be pathogenic (PMID: 23230001, 25948378, 30503519). This variant has not been reported in the literature in individuals affected with POLE-related conditions. For these reasons, this variant has been classified as Pathogenic.

Literature cited by the submitters: PubMed 23230001; PubMed 25948378; PubMed 30503519.

NM_006231.4(POLE):c.5251del (p.Ala1751fs)

Gene: POLE (DNA polymerase epsilon, catalytic subunit; minus strand). Cytogenetic location: 12q24.33.
Variant type: Deletion.
Coding change: c.5251del on transcript NM_006231.4 (MANE Select); coding-DNA position 5251, one base deleted (G; older notation c.5251delG).
Protein change: p.Ala1751fs; shifts the reading frame from alanine 1751.
Molecular consequence: frameshift variant.
Genome position (GRCh38, 1-based): chr12:132,641,774, C deleted on the plus strand (G on the coding strand, the reverse complement: POLE is on the minus strand); the first of 5 consecutive C bases (chr12:132,641,774-132,641,778); deleting any one gives the same sequence. VCF-style (leftmost placement, unchanged base first): chr12-132641773-GC-G. GRCh37 (hg19) VCF-style: chr12-133218359-GC-G.
Other names: short protein forms A1751fs.
Identifiers: ClinVar variation 2027705 (VCV002027705.4), dbSNP rs2541881193, ClinGen allele CA2580086195.